The following is an entry in ClinVar:

NM_001330700.2(TOP2B):c.396-17_396-5del

Gene: TOP2B (DNA topoisomerase II beta; minus strand). Cytogenetic location: 3p24.2.
Variant type: Deletion.
Coding change: c.396-17_396-5del on transcript NM_001330700.2 (MANE Select); 17 bases into the intron before coding-DNA position 396 through 5 bases into the intron before coding-DNA position 396, 13 bases deleted (TTTTTTTTTTTTT).
Molecular consequence: intron variant.
Genome position (GRCh38, 1-based): chr3:25,638,315-25,638,327, AAAAAAAAAAAAA deleted on the plus strand (TTTTTTTTTTTTT on the coding strand, the reverse complement: TOP2B is on the minus strand); deleting any 13 consecutive bases within chr3:25,638,315-25,638,352 gives the same sequence; the c. name uses the placement nearest the transcript's 3' end. VCF-style (leftmost placement, unchanged base first): chr3-25638314-TAAAAAAAAAAAAA-T. GRCh37 (hg19) VCF-style: chr3-25679805-TAAAAAAAAAAAAA-T.
Other names: c.381-17_381-5del (NM_001068.3); c.396-17_396-5del13 (NM_001330700.1).
Identifiers: ClinVar variation 1077597 (VCV001077597.33), dbSNP rs56986587, ClinGen allele CA905648775.

ClinVar aggregate classification (germline): Benign/Likely benign. Review status: criteria provided, multiple submitters, no conflicts (2 of 4 stars). 4 submissions from 4 submitters: Benign (1); Likely benign (2). 1 of the submissions does not count toward it. Last evaluated 2026-02-01.

Conditions:
TOP2B-related disorder. Also called: TOP2B-related condition.

Submissions (4):

Labcorp Genetics (formerly Invitae), Labcorp
Classification: Likely benign. Last evaluated: 2026-02-01. Review status: criteria provided, single submitter. Criteria: Invitae Variant Classification Sherloc (09022015). Collection method: clinical testing. Allele origin: germline.

Blueprint Genetics
Classification: Likely benign. Last evaluated: 2024-11-13. Review status: criteria provided, single submitter. Criteria: ACMG Guidelines, 2015. Collection method: clinical testing. Allele origin: germline.

CeGaT Center for Human Genetics Tuebingen
Classification: Benign. Last evaluated: 2022-10-01. Review status: criteria provided, single submitter. Criteria: CeGaT Center For Human Genetics Tuebingen Variant Classification Criteria Version 2. Collection method: clinical testing. Allele origin: germline. Affected: yes. Observed: 2 variant alleles.
Comment: TOP2B: BS1, BS2

PreventionGenetics, part of Exact Sciences
Classification: Likely benign for TOP2B-related condition. Last evaluated: 2023-11-22. Review status: no assertion criteria provided. Collection method: clinical testing. Allele origin: germline. Not counted in ClinVar's aggregate classification.
Comment: This variant is classified as likely benign based on ACMG/AMP sequence variant interpretation guidelines (Richards et al. 2015 PMID: 25741868, with internal and published modifications).